The following is an entry in ClinVar:

NM_025243.4(SLC19A3):c.205C>T (p.Pro69Ser)

Gene: SLC19A3 (solute carrier family 19 member 3; minus strand). Cytogenetic location: 2q36.3.
Variant type: single nucleotide variant.
Coding change: c.205C>T on transcript NM_025243.4 (MANE Select); coding-DNA position 205, C replaced by T.
Protein change: p.Pro69Ser; replaces proline 69 with serine.
Molecular consequence: missense variant.
Genome position (GRCh38, 1-based): chr2:227,699,510, G>A on the plus strand (C>T on the coding strand, the complement: SLC19A3 is on the minus strand). VCF-style: chr2-227699510-G-A. GRCh37 (hg19) VCF-style: chr2-228564226-G-A.
Other names: c.205C>T, p.Pro69Ser (NM_001371411.1, NM_001371412.1); c.193C>T, p.Pro65Ser (NM_001371413.1, NM_001371414.1); short protein forms P65S, P69S.
Identifiers: ClinVar variation 4854309 (VCV004854309.1).

ClinVar aggregate classification (germline): Uncertain significance (1 of 4 stars; one submission).

Conditions:
Biotin-responsive basal ganglia disease (BTBGD). Also called: Thiamine metabolism dysfunction syndrome type 2; Thiamine metabolism dysfunction syndrome 2 (biotin- or thiamine-responsive encephalopathy type 2); thiamine-responsive encephalopathy; Thiamine Transporter-2 Deficiency; THIAMINE METABOLISM DYSFUNCTION SYNDROME 2 (BIOTIN- AND THIAMINE-RESPONSIVE TYPE). Identifiers: Orphanet 199348, Orphanet 65284, MedGen C1843807, MONDO:0011841, OMIM 607483.

Submission:

3billion
Classification: Uncertain significance for Biotin-responsive basal ganglia disease. Last evaluated: 2025-10-02. Review status: criteria provided, single submitter. Criteria: ACMG Guidelines, 2015. Collection method: clinical testing. Allele origin: germline. Affected: yes.
Comment: The variant is observed at an extremely low frequency in the gnomAD v4.1.0 dataset (total allele frequency: <0.001%). Predicted Consequence/Location: Inframe deletion located in a nonrepeat region: predicted to change the length of the protein and disrupt normal protein function. The variant has been reported to be in trans with a pathogenic variant as either compound heterozygous or homozygous in at least one similarly affected unrelated individual (PMID: 28856750). The variant has been reported to be associated with SLC19A3-related disorder (ClinVar ID: VCV000420629 /PMID: 28856750). Therefore, this variant is classified as Likely pathogenic according to the recommendation of ACMG/AMP guideline.